The following is an entry in ClinVar:

ClinVar aggregate classification (germline): Uncertain significance. Review status: criteria provided, multiple submitters, no conflicts (2 of 4 stars). 2 submissions from 2 submitters: Uncertain significance (2). Last evaluated 2025-02-11.

Conditions:
Inborn genetic diseases. Identifiers: MedGen C0950123, MeSH D030342.
Combined immunodeficiency due to DOCK8 deficiency (HIES2). Also called: HIES autosomal recessive; Hyper-IgE recurrent infection syndrome, autosomal recessive; HYPER-IgE SYNDROME 2, AUTOSOMAL RECESSIVE, WITH RECURRENT INFECTIONS; HYPER-IgE RECURRENT INFECTION SYNDROME 2, AUTOSOMAL RECESSIVE; DOCK8 Deficiency. Identifiers: Orphanet 217390, MedGen C4722305, MONDO:0009478, OMIM 243700.

Allele frequency attached by ClinVar (database versions not stated): gnomAD exomes below 0.00001; ExAC 0.00001; TOPMed 0.00005; ESP Exome Variant Server 0.00008.

Submissions (2):

Labcorp Genetics (formerly Invitae), Labcorp
Classification: Uncertain significance for Combined immunodeficiency due to DOCK8 deficiency. Last evaluated: 2025-02-11. Review status: criteria provided, single submitter. Criteria: Invitae Variant Classification Sherloc (09022015). Collection method: clinical testing. Allele origin: germline.
Comment: This sequence change replaces valine, which is neutral and non-polar, with leucine, which is neutral and non-polar, at codon 991 of the DOCK8 protein (p.Val991Leu). This variant is present in population databases (rs371693235, gnomAD 0.01%). This variant has not been reported in the literature in individuals affected with DOCK8-related conditions. ClinVar contains an entry for this variant (Variation ID: 2473879). An algorithm developed to predict the effect of missense changes on protein structure and function (PolyPhen-2) suggests that this variant is likely to be tolerated. In summary, the available evidence is currently insufficient to determine the role of this variant in disease. Therefore, it has been classified as a Variant of Uncertain Significance.

Ambry Genetics
Classification: Uncertain significance for Inborn genetic diseases. Last evaluated: 2023-01-06. Review status: criteria provided, single submitter. Criteria: Ambry Variant Classification Scheme 2023. Collection method: clinical testing. Allele origin: germline.

NM_203447.4(DOCK8):c.2971G>C (p.Val991Leu)

Gene: DOCK8 (dedicator of cytokinesis 8; plus strand). Cytogenetic location: 9p24.3.
Variant type: single nucleotide variant.
Coding change: c.2971G>C on transcript NM_203447.4 (MANE Select); coding-DNA position 2971, G replaced by C.
Protein change: p.Val991Leu; replaces valine 991 with leucine.
Molecular consequence: missense variant.
Genome position (GRCh38, 1-based): chr9:396,785, G>C. VCF-style: chr9-396785-G-C. GRCh37 (hg19) VCF-style: chr9-396785-G-C.
Other names: c.2671G>C, p.Val891Leu (NM_001190458.2); c.2767G>C, p.Val923Leu (NM_001193536.2); short protein forms V891L, V923L, V991L.
Identifiers: ClinVar variation 2473879 (VCV002473879.4), dbSNP rs371693235, ClinGen allele CA4958456.